The following is an entry in ClinVar:

NM_001004356.3(FGFRL1):c.985C>T (p.Arg329Cys)

Gene: FGFRL1 (fibroblast growth factor receptor like 1; plus strand). Cytogenetic location: 4p16.3.
Variant type: single nucleotide variant.
Coding change: c.985C>T on transcript NM_001004356.3 (MANE Select); coding-DNA position 985, C replaced by T.
Protein change: p.Arg329Cys; replaces arginine 329 with cysteine.
Molecular consequence: missense variant.
Genome position (GRCh38, 1-based): chr4:1,024,577, C>T. VCF-style: chr4-1024577-C-T. GRCh37 (hg19) VCF-style: chr4-1018365-C-T.
Other names: c.985C>T, p.Arg329Cys (NM_001004358.1, NM_001370296.1, NM_021923.3); short protein forms R329C.
Identifiers: ClinVar variation 3014388 (VCV003014388.3), dbSNP rs760516188, ClinGen allele CA2802931.

ClinVar aggregate classification (germline): Uncertain significance (1 of 4 stars; one submission).

Allele frequency attached by ClinVar (database versions not stated): TOPMed 0.00001; gnomAD exomes 0.00002; ExAC 0.00004; gnomAD 0.00001.
gnomAD v4.1: 41 of 1,612,322 alleles (0.0025%); highest among the groups gnomAD compares: Admixed American, 0.0033%; no homozygotes.

Submission:

Labcorp Genetics (formerly Invitae), Labcorp
Classification: Uncertain significance. Last evaluated: 2025-10-08. Review status: criteria provided, single submitter. Criteria: Invitae Variant Classification Sherloc (09022015). Collection method: clinical testing. Allele origin: germline.
Comment: This sequence change replaces arginine, which is basic and polar, with cysteine, which is neutral and slightly polar, at codon 329 of the FGFRL1 protein (p.Arg329Cys). This variant is present in population databases (rs760516188, gnomAD 0.006%). This variant has not been reported in the literature in individuals affected with FGFRL1-related conditions. ClinVar contains an entry for this variant (Variation ID: 3014388). An algorithm developed to predict the effect of missense changes on protein structure and function (PolyPhen-2) suggests that this variant is likely to be disruptive. In summary, the available evidence is currently insufficient to determine the role of this variant in disease. Therefore, it has been classified as a Variant of Uncertain Significance.